The following is an entry in ClinVar:

ClinVar aggregate classification (germline): Uncertain significance (1 of 4 stars; one submission).

Conditions:
Ataxia-pancytopenia syndrome (ATXPC). Also called: SAMD9L Ataxia-Pancytopenia Syndrome; SAMD9L-Related Syndrome. Identifiers: Orphanet 2585, MedGen C1327919, MONDO:0008038, OMIM 159550.

Allele frequency attached by ClinVar (database versions not stated): gnomAD 0.00001.

Submission:

Broad Center for Mendelian Genomics, Broad Institute of MIT and Harvard
Classification: Uncertain significance for Ataxia-pancytopenia syndrome. Last evaluated: 2018-12-03. Review status: criteria provided, single submitter. Criteria: ACMG Guidelines, 2015. Collection method: research. Allele origin: germline. Inheritance: Autosomal dominant inheritance. Affected: yes.
Comment: This variant was absent from large population studies. This variant is predicted to cause a frameshift, which alters the proteinâ€™s amino acid sequence beginning at position 541 and leads to a premature termination codon 21 amino acids downstream. This termination codon occurs within the last exon and is more likely to escape nonsense mediated decay (NMD) and result in a truncated protein. However, only missense, not loss of function, variants in this gene have been reported causative for ataxia-pancytopenia syndrome in the literature and ClinVar. In summary, while there is some suspicion for a pathogenic role, the clinical significance of this variant is uncertain. ACMG/AMP Criteria applied: PM2 (Richards 2015).

NM_152703.5(SAMD9L):c.1617_1618del (p.Gly541fs)

Gene: SAMD9L (sterile alpha motif domain containing 9 like; minus strand). Cytogenetic location: 7q21.2.
Variant type: Deletion.
Coding change: c.1617_1618del on transcript NM_152703.5 (MANE Select); coding-DNA positions 1617 to 1618, 2 bases deleted (AA; older notation c.1617_1618delAA).
Protein change: p.Gly541fs; shifts the reading frame from glycine 541.
Molecular consequence: frameshift variant.
Genome position (GRCh38, 1-based): chr7:93,134,354-93,134,355, TT deleted on the plus strand (AA on the coding strand, the reverse complement: SAMD9L is on the minus strand). VCF-style (leftmost placement, unchanged base first): chr7-93134353-CTT-C. GRCh37 (hg19) VCF-style: chr7-92763666-CTT-C.
Other names: c.1617_1618del, p.Gly541fs (NM_001303496.3, NM_001303497.3, NM_001303498.3 and 5 more transcripts); short protein forms G541fs.
Identifiers: ClinVar variation 814015 (VCV000814015.1), dbSNP rs1584279870, ClinGen allele CA658820699.
Genomic context (GRCh38, chr7:93,134,353, plus strand): 5'-AGTGGATCTCCTGGGCTTTCCACTGAAGAGAGTAATAGAAACACTACCAAAAATTTTCCT[CTT>C]GTCATTATATTTTCATCTGTGAGAAATAAAATTAGTTTCCTGACTTCTGAAGCTCTTTCT-3'